The following is an entry in ClinVar:

ClinVar aggregate classification (germline): Uncertain significance. Review status: criteria provided, multiple submitters, no conflicts (2 of 4 stars). 3 submissions from 3 submitters: Uncertain significance (3). Last evaluated 2025-09-08.

Conditions:
Long QT syndrome 6 (LQT6). Identifiers: Orphanet 101016, Orphanet 768, MedGen C3150953, MONDO:0013370, OMIM 613693.
Cardiovascular phenotype. Identifiers: MedGen CN230736.

Allele frequency attached by ClinVar (database versions not stated): gnomAD exomes below 0.00001 and 0.00001; TOPMed 0.00001.
gnomAD v4.1: 23 of 1,614,244 alleles (0.0014%); highest among the groups gnomAD compares: Non-Finnish European, 0.0018%; no homozygotes.

Submissions (3):

Labcorp Genetics (formerly Invitae), Labcorp
Classification: Uncertain significance for Long QT syndrome 6. Last evaluated: 2025-09-08. Review status: criteria provided, single submitter. Criteria: Invitae Variant Classification Sherloc (09022015). Collection method: clinical testing. Allele origin: germline.
Comment: This sequence change replaces valine, which is neutral and non-polar, with alanine, which is neutral and non-polar, at codon 41 of the KCNE2 protein (p.Val41Ala). This variant is present in population databases (no rsID available, gnomAD 0.0009%). This variant has not been reported in the literature in individuals affected with KCNE2-related conditions. ClinVar contains an entry for this variant (Variation ID: 577399). An algorithm developed to predict the effect of missense changes on protein structure and function (PolyPhen-2) suggests that this variant is likely to be tolerated. In summary, the available evidence is currently insufficient to determine the role of this variant in disease. Therefore, it has been classified as a Variant of Uncertain Significance.

Ambry Genetics
Classification: Uncertain significance for Cardiovascular phenotype. Last evaluated: 2024-09-30. Review status: criteria provided, single submitter. Criteria: Ambry Variant Classification Scheme 2023. Collection method: clinical testing. Allele origin: germline.
Comment: The p.V41A variant (also known as c.122T>C), located in coding exon 1 of the KCNE2 gene, results from a T to C substitution at nucleotide position 122. The valine at codon 41 is replaced by alanine, an amino acid with similar properties. This amino acid position is conserved. In addition, the in silico prediction for this alteration is inconclusive. Based on the available evidence, the clinical significance of this variant remains unclear.

GeneDx
Classification: Uncertain significance. Last evaluated: 2023-01-03. Review status: criteria provided, single submitter. Criteria: GeneDx Variant Classification Process June 2021. Collection method: clinical testing. Allele origin: germline. Affected: yes.
Comment: Not observed at significant frequency in large population cohorts (gnomAD); In silico analysis supports that this missense variant does not alter protein structure/function; Has not been previously published as pathogenic or benign to our knowledge

NM_172201.2(KCNE2):c.122T>C (p.Val41Ala)

Genes: KCNE2 (potassium voltage-gated channel subfamily E regulatory subunit 2; plus strand), LOC105372791 (uncharacterized LOC105372791; minus strand). Cytogenetic location: 21q22.11.
Variant type: single nucleotide variant.
Coding change: c.122T>C on transcript NM_172201.2 (MANE Select); coding-DNA position 122, T replaced by C.
Protein change: p.Val41Ala; replaces valine 41 with alanine.
Molecular consequence: missense variant.
Genome position (GRCh38, 1-based): chr21:34,370,600, T>C. VCF-style: chr21-34370600-T-C. GRCh37 (hg19) VCF-style: chr21-35742899-T-C.
Other names: short protein forms V41A.
Identifiers: ClinVar variation 577399 (VCV000577399.10), dbSNP rs1273269997, ClinGen allele CA410196357.